The following is an entry in ClinVar:

ClinVar aggregate classification (germline): Uncertain significance (1 of 4 stars; one submission).

Conditions:
Intellectual developmental disorder, X-linked, syndromic, Turner type. Also called: Intellectual disability, X-linked syndromic, Turner type; X-linked intellectual disability, Turner type. Identifiers: Orphanet 3056, Orphanet 85328, MedGen C2678046, MONDO:0010407, OMIM 309590.

Submission:

Pittsburgh Clinical Genomics Laboratory, University of Pittsburgh Medical Center
Classification: Uncertain significance for Intellectual developmental disorder, X-linked, syndromic, Turner type. Last evaluated: 2023-07-31. Review status: criteria provided, single submitter. Criteria: ACMG Guidelines, 2015. Collection method: clinical testing. Allele origin: germline. Inheritance: X-linked inheritance. Affected: yes.
Comment: This sequence variant is a single nucleotide substitution (G>A) at position 8855 of the coding sequence of the HUWE1 gene that results in a serine to asparagine amino acid change at residue 2952 of the HECT, UBA and WWE domain containing E3 ubiquitin protein ligase 1 protein. This variant is absent from ClinVar and from the gnomAD population database (0/~250,000 alleles). Multiple bioinformatic tools predict that this amino acid change would be damaging, and the Ser2952 residue is highly conserved across the vertebrate species examined. Studies examining the functiol consequence of this variant have not been performed, to our knowledge. At this time, there is insufficient evidence to determine if this variant is pathogenic or benign. Therefore, we consider this a variant of uncertain significance. ACMG Criteria: PM2, PP3

NM_031407.7(HUWE1):c.8855G>A (p.Ser2952Asn)

Gene: HUWE1 (HECT, UBA and WWE domain containing E3 ubiquitin protein ligase 1; minus strand). Cytogenetic location: Xp11.22.
Variant type: single nucleotide variant.
Coding change: c.8855G>A on transcript NM_031407.7 (MANE Select); coding-DNA position 8855, G replaced by A.
Protein change: p.Ser2952Asn; replaces serine 2952 with asparagine.
Molecular consequence: missense variant.
Genome position (GRCh38, 1-based): chrX:53,552,337, C>T on the plus strand (G>A on the coding strand, the complement: HUWE1 is on the minus strand). VCF-style: chrX-53552337-C-T. GRCh37 (hg19) VCF-style: chrX-53579298-C-T.
Other names: short protein forms S2952N.
Identifiers: ClinVar variation 3376300 (VCV003376300.1).